The following is an entry in ClinVar:

NM_000393.5(COL5A2):c.3310-3T>A

Gene: COL5A2 (collagen type V alpha 2 chain; minus strand). Cytogenetic location: 2q32.2.
Variant type: single nucleotide variant.
Coding change: c.3310-3T>A on transcript NM_000393.5 (MANE Select); 3 bases into the intron before coding-DNA position 3310, T replaced by A.
Molecular consequence: intron variant.
Genome position (GRCh38, 1-based): chr2:189,045,235, A>T on the plus strand (T>A on the coding strand, the complement: COL5A2 is on the minus strand). VCF-style: chr2-189045235-A-T. GRCh37 (hg19) VCF-style: chr2-189909961-A-T.
Identifiers: ClinVar variation 953323 (VCV000953323.10), dbSNP rs752705717, ClinGen allele CA2022038.

ClinVar aggregate classification (germline): Uncertain significance (1 of 4 stars; one submission).

Conditions:
Ehlers-Danlos syndrome, classic type, 1 (EDSCL1). Also called: Ehlers-Danlos syndrome, type 1; EHLERS-DANLOS SYNDROME, GRAVIS TYPE; EHLERS-DANLOS SYNDROME, SEVERE CLASSIC TYPE; EDS I; Ehlers-Danlos Syndrome, Classic Type, COL5A1-Related. Identifiers: MedGen C0268335, MONDO:0019567, OMIM 130000.

Allele frequency attached by ClinVar (database versions not stated): gnomAD exomes 0.00004; ExAC 0.00003.
gnomAD v4.1: 14 of 1,606,532 alleles (0.00087%); highest among the groups gnomAD compares: South Asian, 0.015%; no homozygotes.

Submission:

Labcorp Genetics (formerly Invitae), Labcorp
Classification: Uncertain significance for Ehlers-Danlos syndrome, classic type, 1. Last evaluated: 2022-07-25. Review status: criteria provided, single submitter. Criteria: Invitae Variant Classification Sherloc (09022015). Collection method: clinical testing. Allele origin: germline.
Comment: In summary, the available evidence is currently insufficient to determine the role of this variant in disease. Therefore, it has been classified as a Variant of Uncertain Significance. This sequence change falls in intron 46 of the COL5A2 gene. It does not directly change the encoded amino acid sequence of the COL5A2 protein. It affects a nucleotide within the consensus splice site. This variant is present in population databases (rs752705717, gnomAD 0.03%). This variant has not been reported in the literature in individuals affected with COL5A2-related conditions. ClinVar contains an entry for this variant (Variation ID: 953323). Variants that disrupt the consensus splice site are a relatively common cause of aberrant splicing (PMID: 17576681, 9536098). Algorithms developed to predict the effect of sequence changes on RNA splicing suggest that this variant is not likely to affect RNA splicing.

Literature cited by the submitters: PubMed 17576681; PubMed 9536098.